The following is an entry in ClinVar:

ClinVar aggregate classification (germline): Uncertain significance (1 of 4 stars; one submission).

Submission:

GeneDx
Classification: Uncertain significance. Last evaluated: 2022-07-05. Review status: criteria provided, single submitter. Criteria: GeneDx Variant Classification Process June 2021. Collection method: clinical testing. Allele origin: germline. Affected: yes.
Comment: Not observed at significant frequency in large population cohorts (gnomAD); Frameshift variant predicted to result in protein truncation or nonsense mediated decay in a gene or region of a gene for which loss of function is not a well-established mechanism of disease; Has not been previously published as pathogenic or benign to our knowledge

NM_001379286.1(ZNF423):c.3106_3109del (p.Thr1036fs)

Gene: ZNF423 (zinc finger protein 423; minus strand). Cytogenetic location: 16q12.1.
Variant type: Deletion.
Coding change: c.3106_3109del on transcript NM_001379286.1 (MANE Select); coding-DNA positions 3106 to 3109, 4 bases deleted (ACAG; older notation c.3106_3109delACAG).
Protein change: p.Thr1036fs; shifts the reading frame from threonine 1036.
Molecular consequence: frameshift variant.
Genome position (GRCh38, 1-based): chr16:49,636,067-49,636,070, CTGT deleted on the plus strand (ACAG on the coding strand, the reverse complement: ZNF423 is on the minus strand); deleting any 4 consecutive bases within chr16:49,636,067-49,636,073 gives the same sequence; the c. name uses the placement nearest the transcript's 3' end. VCF-style (leftmost placement, unchanged base first): chr16-49636066-ACTGT-A. GRCh37 (hg19) VCF-style: chr16-49669977-ACTGT-A.
Other names: c.2902_2905del, p.Thr968fs (NM_001271620.2); c.2731_2734del, p.Thr911fs (NM_001330533.2); c.3082_3085del, p.Thr1028fs (NM_015069.5); short protein forms T1036fs, T1028fs, T911fs, T968fs.
Identifiers: ClinVar variation 1810691 (VCV001810691.1), dbSNP rs2506977091, ClinGen allele CA2580091571.
Genomic context (GRCh38, chr16:49,636,066, plus strand): 5'-CTGCCCGCCAGCTTCTGCATGTGGAAGGTGCCATGGATCTTGAGCTCAAGCGTGGAAGTG[ACTGT>A]CTGCATGCAGACCACACAGCGGAAGCCCGTGAGTGAGTTGCGCAGGTCAGGGTGCATCTG-3'